The following is an entry in ClinVar:

ClinVar aggregate classification (germline): Pathogenic (1 of 4 stars; one submission).

Submission:

Labcorp Genetics (formerly Invitae), Labcorp
Classification: Pathogenic. Last evaluated: 2021-10-29. Review status: criteria provided, single submitter. Criteria: Invitae Variant Classification Sherloc (09022015). Collection method: clinical testing. Allele origin: germline.
Comment: For these reasons, this variant has been classified as Pathogenic. This variant disrupts a region of the EYS protein in which other variant(s) (p.Ala3021Pro) have been determined to be pathogenic (PMID: 29074561, 29159838, 32037395; Invitae). This suggests that this is a clinically significant region of the protein, and that variants that disrupt it are likely to be disease-causing. Variants that disrupt the consensus splice site are a relatively common cause of aberrant splicing (PMID: 17576681, 9536098). This variant has not been reported in the literature in individuals affected with EYS-related conditions. This variant results in the deletion of part of exon 43 (c.8234-1021_9267delinsGG) of the EYS gene. While this variant is not anticipated to result in nonsense mediated decay, it likely alters RNA splicing and results in a disrupted protein product.

Literature cited by the submitters: PubMed 29074561; PubMed 29159838; PubMed 32037395; PubMed 17576681; PubMed 9536098.

NC_000006.11:g.(?_64430660)_(64432714_?)del

Gene: EYS (eyes shut homolog; minus strand). Cytogenetic location: 6q12.
Variant type: Deletion.
Identifiers: ClinVar variation 2423865 (VCV002423865.4).